The following is an entry in ClinVar:

NM_000051.4(ATM):c.*10T>G

Genes: ATM (ATM serine/threonine kinase; plus strand), C11orf65 (chromosome 11 open reading frame 65; minus strand). Cytogenetic location: 11q22.3.
Variant type: single nucleotide variant.
Coding change: c.*10T>G on transcript NM_000051.4 (MANE Select); 10 bases downstream of the stop codon, T replaced by G.
Molecular consequence: 3 prime UTR variant. On other transcripts: intron variant (2).
Genome position (GRCh38, 1-based): chr11:108,365,518, T>G. VCF-style: chr11-108365518-T-G. GRCh37 (hg19) VCF-style: chr11-108236245-T-G.
Other names: c.*10T>G (NM_001351834.2); c.640+20402A>C (NM_001330368.2); c.694+20402A>C (NM_001351110.2).
Identifiers: ClinVar variation 3772890 (VCV003772890.1).

ClinVar aggregate classification (germline): Benign (1 of 4 stars; one submission).

Conditions:
Familial cancer of breast. Also called: BREAST CANCER, FAMILIAL; Hereditary breast cancer; hereditary breast carcinoma. Identifiers: Orphanet 227535, MedGen C0346153, MONDO:0016419, OMIM 114480. Disease mechanism: loss of function.

Submission:

Myriad Genetics, Inc.
Classification: Benign for Familial cancer of breast. Last evaluated: 2024-10-01. Review status: criteria provided, single submitter. Criteria: Myriad Autosomal Dominant, Autosomal Recessive and X-Linked Classification Criteria (2023). Collection method: clinical testing. Allele origin: unknown.
Comment: This variant is considered benign. This variant occurs in the non-coding 3' untranslated region of the gene, and is not expected to impact protein function.